The following is an entry in ClinVar:

ClinVar aggregate classification (germline): Benign/Likely benign. Review status: criteria provided, multiple submitters, no conflicts (2 of 4 stars). 3 submissions from 3 submitters: Benign (1); Likely benign (2). Last evaluated 2025-01-19.

Conditions:
Hereditary cancer-predisposing syndrome. Also called: Neoplastic Syndromes, Hereditary; Hereditary neoplastic syndrome; Tumor predisposition; Hereditary Cancer Syndrome. Identifiers: Orphanet 140162, MedGen C0027672, MeSH D009386, MONDO:0015356.
Hereditary diffuse gastric adenocarcinoma (HDGC). Also called: DIFFUSE GASTRIC AND LOBULAR BREAST CANCER SYNDROME. Identifiers: Orphanet 26106, MedGen C1708349, MONDO:0007648, OMIM 137215.

Submissions (3):

Color Diagnostics, LLC DBA Color Health
Classification: Likely benign for Hereditary cancer-predisposing syndrome. Last evaluated: 2025-01-19. Review status: criteria provided, single submitter. Criteria: ACMG Guidelines, 2015. Collection method: clinical testing. Allele origin: germline.

Myriad Genetics, Inc.
Classification: Benign for Hereditary diffuse gastric adenocarcinoma. Last evaluated: 2024-09-24. Review status: criteria provided, single submitter. Criteria: Myriad Autosomal Dominant, Autosomal Recessive and X-Linked Classification Criteria (2023). Collection method: clinical testing. Allele origin: unknown.
Comment: This variant is considered benign. This variant is a silent/synonymous amino acid change and it is not expected to impact splicing.

Labcorp Genetics (formerly Invitae), Labcorp
Classification: Likely benign for Hereditary diffuse gastric adenocarcinoma. Last evaluated: 2021-07-15. Review status: criteria provided, single submitter. Criteria: Invitae Variant Classification Sherloc (09022015). Collection method: clinical testing. Allele origin: germline.

NM_004360.5(CDH1):c.2601T>C (p.Asn867=)

Gene: CDH1 (cadherin 1; plus strand). Cytogenetic location: 16q22.1.
Variant type: single nucleotide variant.
Coding change: c.2601T>C on transcript NM_004360.5 (MANE Select); coding-DNA position 2601, T replaced by C.
Protein change: p.Asn867=; no amino-acid change (asparagine 867 retained).
Molecular consequence: synonymous variant.
Genome position (GRCh38, 1-based): chr16:68,833,451, T>C. VCF-style: chr16-68833451-T-C. GRCh37 (hg19) VCF-style: chr16-68867354-T-C.
Other names: c.2418T>C, p.Asn806= (NM_001317184.2); c.1053T>C, p.Asn351= (NM_001317185.2); c.636T>C, p.Asn212= (NM_001317186.2).
Identifiers: ClinVar variation 1675005 (VCV001675005.10), dbSNP rs2152144175, ClinGen allele CA496393209.